The following is an entry in ClinVar:

NM_001034853.2(RPGR):c.2411G>A (p.Arg804Lys)

Gene: RPGR (retinitis pigmentosa GTPase regulator; minus strand). Cytogenetic location: Xp11.4.
Variant type: single nucleotide variant.
Coding change: c.2411G>A on transcript NM_001034853.2 (MANE Select); coding-DNA position 2411, G replaced by A.
Protein change: p.Arg804Lys; replaces arginine 804 with lysine.
Molecular consequence: missense variant. On other transcripts: intron variant (8).
Genome position (GRCh38, 1-based): chrX:38,286,588, C>T on the plus strand (G>A on the coding strand, the complement: RPGR is on the minus strand). VCF-style: chrX-38286588-C-T. GRCh37 (hg19) VCF-style: chrX-38145841-C-T.
Other names: NM_001034853.2(RPGR):c.2411G>A; p.Arg804Lys; c.1569+4371G>A (NM_001367249.1, NM_001367250.1); c.1902+506G>A (NM_001367245.1); c.1386+4371G>A (NM_001367251.1); c.1719+506G>A (NM_001367246.1); c.1572+4371G>A (NM_001367247.1); c.1905+506G>A (NM_000328.3); and 1 more; short protein forms R804K.
Identifiers: ClinVar variation 446001 (VCV000446001.13), dbSNP rs147388235, ClinGen allele CA10385287.

ClinVar aggregate classification (germline): Benign. Review status: reviewed by expert panel (3 of 4 stars). 5 submissions from 5 submitters: Benign (1). 4 of the submissions do not count toward it. Last evaluated 2025-09-05.

Conditions:
RPGR-related retinopathy. Also called: RPGR retinopathy. Identifiers: MedGen CN305589, MONDO:0100437.
Primary ciliary dyskinesia. Also called: Ciliary dyskinesia. Identifiers: Orphanet 244, MedGen C0008780, MONDO:0016575, HP:0012265.

Allele frequency attached by ClinVar (database versions not stated): gnomAD exomes 0.00113 and 0.00349; ExAC 0.00744; gnomAD 0.00798 and 0.00850; 1000 Genomes Project 0.01007; 1000 Genomes Project 30x 0.01041; ESP Exome Variant Server 0.01328.
gnomAD v4.1: 1,588 of 1,041,819 alleles (0.15%); highest among the groups gnomAD compares: African/African-American, 3.8%; 26 homozygotes.

Submissions (5):

ClinGen X-linked Inherited Retinal Disease Variant Curation Expert Panel, ClinGen
Classification: Benign for RPGR-related retinopathy. Last evaluated: 2025-09-05. Review status: reviewed by expert panel. Criteria: ClinGen X LinkedIRD ACMG Specifications RPGR V1.0.0. Collection method: curation. Allele origin: germline. Inheritance: X-linked inheritance.
Comment: NM_001034853.2(RPGR):c.2411G>A (p.Arg804Lys) is a missense variant predicted to cause substitution of arginine by lysine at amino acid 804. This variant is present in gnomAD v4.1.0 at a frequency of 0.001070 among hemizygous individuals, with 334 variant alleles / 312,147 total hemizygous alleles, which is higher than the ClinGen X-linked IRD VCEP BA1 threshold of >0.00005 (BA1). The computational predictor REVEL gives a score of 0.011, which is below the ClinGen X-linked IRD VCEP threshold of <0.016 and predicts a non-damaging effect on RPGR function. Additionally, the splicing impact predictor SpliceAI gives a delta score of 0, which is below the ClinGen X-linked IRD VCEP recommended threshold of <0.2 and does not strongly predict an impact on splicing (BP4_Strong). In summary, this variant is classified as benign for RPGR-related retinopathy based on the ClinGen X-linked Inherited Retinal Disease Expert Panel Specifications to the ACMG/AMP Variant Interpretation Guidelines for RPGR Version 1.0.0; BA1 and BP4_Strong.

Labcorp Genetics (formerly Invitae), Labcorp
Classification: Likely benign for Primary ciliary dyskinesia. Last evaluated: 2026-02-04. Review status: criteria provided, single submitter. Criteria: Invitae Variant Classification Sherloc (09022015). Collection method: clinical testing. Allele origin: germline. Not counted in ClinVar's aggregate classification.

PreventionGenetics, part of Exact Sciences
Classification: Benign. Last evaluated: 2019-09-24. Review status: criteria provided, single submitter. Criteria: ACMG Guidelines, 2015. Collection method: clinical testing. Allele origin: germline. Not counted in ClinVar's aggregate classification.

GeneDx
Classification: Likely benign. Last evaluated: 2018-07-14. Review status: criteria provided, single submitter. Criteria: GeneDx Variant Classification Process June 2021. Collection method: clinical testing. Allele origin: germline. Affected: yes. Not counted in ClinVar's aggregate classification.

Center for Pediatric Genomic Medicine, Children's Mercy Hospital and Clinics
Classification: Likely benign. Last evaluated: 2017-08-28. Review status: criteria provided, single submitter. Criteria: ACMG Guidelines, 2015. Collection method: clinical testing. Allele origin: germline. Not counted in ClinVar's aggregate classification.